The following is an entry in ClinVar:

ClinVar aggregate classification (germline): Benign/Likely benign. Review status: criteria provided, multiple submitters, no conflicts (2 of 4 stars). 6 submissions from 6 submitters: Benign (1); Likely benign (3). 2 of the submissions do not count toward it. Last evaluated 2025-11-03.

Conditions:
Hereditary sensory and autonomic neuropathy with spastic paraplegia (HSNSP). Identifiers: Orphanet 139578, MedGen C1850395, MONDO:0009748, OMIM 256840.

Allele frequency attached by ClinVar (database versions not stated): gnomAD exomes 0.00029 and 0.00069; ExAC 0.00087; 1000 Genomes Project 0.00319; 1000 Genomes Project 30x 0.00328; gnomAD 0.00334 and 0.00353; TOPMed 0.00345; ESP Exome Variant Server 0.00354.
gnomAD v4.1: 935 of 1,614,166 alleles (0.058%); highest among the groups gnomAD compares: African/African-American, 1.2%; 9 homozygotes.

Submissions (6):

Labcorp Genetics (formerly Invitae), Labcorp
Classification: Benign for Hereditary sensory and autonomic neuropathy with spastic paraplegia. Last evaluated: 2025-11-03. Review status: criteria provided, single submitter. Criteria: Invitae Variant Classification Sherloc (09022015). Collection method: clinical testing. Allele origin: germline.

Blueprint Genetics
Classification: Likely benign. Last evaluated: 2024-11-26. Review status: criteria provided, single submitter. Criteria: ACMG Guidelines, 2015. Collection method: clinical testing. Allele origin: germline.

ARUP Laboratories, Molecular Genetics and Genomics, ARUP Laboratories
Classification: Likely benign for Hereditary sensory and autonomic neuropathy with spastic paraplegia. Last evaluated: 2021-03-04. Review status: criteria provided, single submitter. Criteria: ARUP Molecular Germline Variant Investigation Process 2021. Collection method: clinical testing. Allele origin: germline.

Illumina Laboratory Services, Illumina
Classification: Likely benign for Hereditary sensory and autonomic neuropathy with spastic paraplegia. Last evaluated: 2018-01-13. Review status: criteria provided, single submitter. Criteria: ICSL Variant Classification Criteria 13 December 2019. Collection method: clinical testing. Allele origin: germline.
Comment: This variant was observed in the ICSL laboratory as part of a predisposition screen in an ostensibly healthy population. It had not been previously curated by ICSL or reported in the Human Gene Mutation Database (HGMD: prior to June 1st, 2018), and was therefore a candidate for classification through an automated scoring system. Utilizing variant allele frequency, disease prevalence and penetrance estimates, and inheritance mode, an automated score was calculated to assess if this variant is too frequent to cause the disease. Based on the score and internal cut-off values, a variant classified as likely benign is not then subjected to further curation. The score for this variant resulted in a classification of likely benign for this disease.

Clinical Genetics, Academic Medical Center
Classification: Benign. Review status: no assertion criteria provided. Collection method: clinical testing. Allele origin: germline. Affected: yes. Study: VKGL Data-share Consensus. Not counted in ClinVar's aggregate classification.

Genome Diagnostics Laboratory, University Medical Center Utrecht
Classification: Likely benign. Review status: no assertion criteria provided. Collection method: clinical testing. Allele origin: germline. Affected: yes. Study: VKGL Data-share Consensus. Not counted in ClinVar's aggregate classification.

NM_012073.5(CCT5):c.1059G>A (p.Leu353=)

Gene: CCT5 (chaperonin containing TCP1 subunit 5; plus strand). Cytogenetic location: 5p15.2.
Variant type: single nucleotide variant.
Coding change: c.1059G>A on transcript NM_012073.5 (MANE Select); coding-DNA position 1059, G replaced by A.
Protein change: p.Leu353=; no amino-acid change (leucine 353 retained).
Molecular consequence: synonymous variant.
Genome position (GRCh38, 1-based): chr5:10,261,625, G>A. VCF-style: chr5-10261625-G-A. GRCh37 (hg19) VCF-style: chr5-10261737-G-A.
Other names: c.996G>A, p.Leu332= (NM_001306153.1); c.894G>A, p.Leu298= (NM_001306154.2); c.780G>A, p.Leu260= (NM_001306155.2); c.945G>A, p.Leu315= (NM_001306156.2).
Identifiers: ClinVar variation 350254 (VCV000350254.21), dbSNP rs114634318, ClinGen allele CA3198244.